The following is an entry in ClinVar:

ClinVar aggregate classification (germline): Uncertain significance. Review status: criteria provided, multiple submitters, no conflicts (2 of 4 stars). 7 submissions from 7 submitters: Uncertain significance (6). 1 of the submissions does not count toward it. Last evaluated 2025-08-02.

Conditions:
WFS1-related disorder. Identifiers: MedGen CN379391, MONDO:0700293.
Autosomal dominant nonsyndromic hearing loss 6 (LFSNHL). Also called: Autosomal dominant nonsyndromic deafness 6; DEAFNESS, AUTOSOMAL DOMINANT 14; DEAFNESS, AUTOSOMAL DOMINANT 38; DEAFNESS, AUTOSOMAL DOMINANT 6. Identifiers: Orphanet 90635, MedGen C1833021, MONDO:0010963, OMIM 600965.
Type 2 diabetes mellitus. Also called: Type II diabetes mellitus. Identifiers: MedGen C0011860, MeSH D003924, MONDO:0005148, OMIM 125853, HP:0005978.
Wolfram-like syndrome. Also called: HEARING LOSS, PROGRESSIVE, WITH OPTIC ATROPHY AND/OR IMPAIRED GLUCOSE REGULATION. Identifiers: Orphanet 411590, MedGen C3280358, MONDO:0013673, OMIM 614296.
Wolfram syndrome 1 (WFS1). Identifiers: Orphanet 3463, MedGen C4551693, MONDO:0009101, OMIM 222300.
Cataract 41 (CTRCT41). Also called: CATARACT 41, CONGENITAL NUCLEAR TYPE. Identifiers: Orphanet 91492, Orphanet 98991, Orphanet 98992, Orphanet 98995, MedGen C3805412, MONDO:0007287, OMIM 116400.

Allele frequency attached by ClinVar (database versions not stated): gnomAD 0.00006 and 0.00007; ExAC 0.00007; ESP Exome Variant Server 0.00008; 1000 Genomes Project 0.00020; 1000 Genomes Project 30x 0.00031.
gnomAD v4.1: 48 of 1,613,126 alleles (0.003%); highest among the groups gnomAD compares: Middle Eastern, 0.033%; no homozygotes.

Submissions (7):

Labcorp Genetics (formerly Invitae), Labcorp
Classification: Uncertain significance. Last evaluated: 2025-08-02. Review status: criteria provided, single submitter. Criteria: Invitae Variant Classification Sherloc (09022015). Collection method: clinical testing. Allele origin: germline.
Comment: This sequence change replaces arginine, which is basic and polar, with cysteine, which is neutral and slightly polar, at codon 868 of the WFS1 protein (p.Arg868Cys). This variant is present in population databases (rs148611943, gnomAD 0.03%). This variant has not been reported in the literature in individuals affected with WFS1-related conditions. ClinVar contains an entry for this variant (Variation ID: 1207795). Invitae Evidence Modeling of protein sequence and biophysical properties (such as structural, functional, and spatial information, amino acid conservation, physicochemical variation, residue mobility, and thermodynamic stability) indicates that this missense variant is expected to disrupt WFS1 protein function with a positive predictive value of 80%. In summary, the available evidence is currently insufficient to determine the role of this variant in disease. Therefore, it has been classified as a Variant of Uncertain Significance.

Blueprint Genetics
Classification: Uncertain significance. Last evaluated: 2024-10-03. Review status: criteria provided, single submitter. Criteria: ACMG Guidelines, 2015. Collection method: clinical testing. Allele origin: germline.

Fulgent Genetics
Classification: Uncertain significance for Cataract 41; Type 2 diabetes mellitus; Wolfram syndrome 1; Autosomal dominant nonsyndromic hearing loss 6; Wolfram-like syndrome. Last evaluated: 2024-05-18. Review status: criteria provided, single submitter. Criteria: ACMG Guidelines, 2015. Collection method: clinical testing. Allele origin: germline.

Mayo Clinic Laboratories, Mayo Clinic
Classification: Uncertain significance. Last evaluated: 2023-10-24. Review status: criteria provided, single submitter. Criteria: ACMG Guidelines, 2015. Collection method: clinical testing. Allele origin: germline. Observed: 1 variant allele.
Comment: PP3, PM2_moderate

Department of Pathology and Laboratory Medicine, Sinai Health System
Classification: Uncertain significance for Cataract 41; Type 2 diabetes mellitus; Wolfram syndrome 1; Autosomal dominant nonsyndromic hearing loss 6; Wolfram-like syndrome. Last evaluated: 2023-05-17. Review status: criteria provided, single submitter. Criteria: ACMG Guidelines, 2015. Collection method: research. Allele origin: germline.

GeneDx
Classification: Uncertain significance. Last evaluated: 2023-01-31. Review status: criteria provided, single submitter. Criteria: GeneDx Variant Classification Process June 2021. Collection method: clinical testing. Allele origin: germline. Affected: yes.
Comment: In silico analysis supports that this missense variant has a deleterious effect on protein structure/function; Has not been previously published in association with disease to our knowledge; This variant is associated with the following publications: (PMID: 26435059)

PreventionGenetics, part of Exact Sciences
Classification: Uncertain significance for WFS1-related condition. Last evaluated: 2024-07-24. Review status: no assertion criteria provided. Collection method: clinical testing. Allele origin: germline. Not counted in ClinVar's aggregate classification.
Comment: The WFS1 c.2602C>T variant is predicted to result in the amino acid substitution p.Arg868Cys. To our knowledge, this variant has not been reported in the literature. This variant is reported in 0.024% of alleles in individuals of African descent in gnomAD. Alternative variant at the same codon p.Arg868His has been reported together with second WFS1 variant in patients with hearing loss (Table S2, Ma et al. 2023. PubMed ID: 36597107; Table S3, Sloan-Heggen. 2016. PubMed ID: 26969326). Other alternative variant at the same codon p.Arg868Pro has been reported in an individual with diabetes (Table S6, Yu. 2019. PubMed ID: 31264968). At this time, the clinical significance of this variant is uncertain due to the absence of conclusive functional and genetic evidence.

Literature cited by the submitters: PubMed 26435059 (cited by Mayo Clinic Laboratories, Mayo Clinic).

NM_006005.3(WFS1):c.2602C>T (p.Arg868Cys)

Gene: WFS1 (wolframin ER transmembrane glycoprotein; plus strand). Cytogenetic location: 4p16.1.
Variant type: single nucleotide variant.
Coding change: c.2602C>T on transcript NM_006005.3 (MANE Select); coding-DNA position 2602, C replaced by T.
Protein change: p.Arg868Cys; replaces arginine 868 with cysteine.
Molecular consequence: missense variant.
Genome position (GRCh38, 1-based): chr4:6,302,397, C>T. VCF-style: chr4-6302397-C-T. GRCh37 (hg19) VCF-style: chr4-6304124-C-T.
Other names: p.Arg868Cys; c.2602C>T, p.Arg868Cys (NM_001145853.1); short protein forms R868C.
Identifiers: ClinVar variation 1207795 (VCV001207795.27), dbSNP rs148611943, ClinGen allele CA2839800.